The following is an entry in ClinVar:

ClinVar aggregate classification (germline): Benign/Likely benign. Review status: criteria provided, multiple submitters, no conflicts (2 of 4 stars). 3 submissions from 3 submitters: Benign (1); Likely benign (2). Last evaluated 2025-12-15.

Conditions:
EYS-related disorder. Also called: EYS-related condition.

Submissions (3):

Labcorp Genetics (formerly Invitae), Labcorp
Classification: Benign. Last evaluated: 2025-12-15. Review status: criteria provided, single submitter. Criteria: Invitae Variant Classification Sherloc (09022015). Collection method: clinical testing. Allele origin: germline.

PreventionGenetics, part of Exact Sciences
Classification: Likely benign for EYS-related condition. Last evaluated: 2025-11-09. Review status: criteria provided, single submitter. Criteria: ACMG Guidelines, 2015. Collection method: clinical testing. Allele origin: germline.
Comment: This variant is classified as likely benign based on ACMG/AMP sequence variant interpretation guidelines (Richards et al. 2015 PMID: 25741868, with internal and published modifications).

Blueprint Genetics
Classification: Likely benign. Last evaluated: 2024-06-20. Review status: criteria provided, single submitter. Criteria: ACMG Guidelines, 2015. Collection method: clinical testing. Allele origin: germline.

NM_001142800.2(EYS):c.1460-5dup

Gene: EYS (EGF-like photoreceptor maintenance factor; minus strand). Cytogenetic location: 6q12.
Variant type: Duplication.
Coding change: c.1460-5dup on transcript NM_001142800.2 (MANE Select); 5 bases into the intron before coding-DNA position 1460, one base duplicated (T; older notation c.1460-5dupT).
Molecular consequence: intron variant.
Genome position (GRCh38, 1-based): chr6:65,344,182, A duplicated on the plus strand (T on the coding strand, the reverse complement: EYS is on the minus strand); the first of 9 consecutive A bases (chr6:65,344,182-65,344,190); duplicating any one gives the same sequence. VCF-style (leftmost placement, unchanged base first): chr6-65344181-T-TA. GRCh37 (hg19) VCF-style: chr6-66054074-T-TA.
Other names: c.1460-5dup (NM_001292009.2, NM_001142801.2, NM_198283.2).
Identifiers: ClinVar variation 357740 (VCV000357740.15), dbSNP rs771064426, ClinGen allele CA3877730.